The following is an entry in ClinVar:

NM_000465.4(BARD1):c.1140C>T (p.Asn380=)

Gene: BARD1 (BRCA1 associated RING domain 1; minus strand). Cytogenetic location: 2q35.
Variant type: single nucleotide variant.
Coding change: c.1140C>T on transcript NM_000465.4 (MANE Select); coding-DNA position 1140, C replaced by T.
Protein change: p.Asn380=; no amino-acid change (asparagine 380 retained).
Molecular consequence: synonymous variant. On other transcripts: non-coding transcript variant (2), intron variant (3).
Genome position (GRCh38, 1-based): chr2:214,780,734, G>A on the plus strand (C>T on the coding strand, the complement: BARD1 is on the minus strand). VCF-style: chr2-214780734-G-A. GRCh37 (hg19) VCF-style: chr2-215645458-G-A.
Other names: c.1083C>T, p.Asn361= (NM_001282543.2); c.159-28179C>T (NM_001282548.2); c.215+16327C>T (NM_001282545.2); c.364+11563C>T (NM_001282549.2).
Identifiers: ClinVar variation 1619545 (VCV001619545.12), dbSNP rs2106108484, ClinGen allele CA431391899.

ClinVar aggregate classification (germline): Benign/Likely benign. Review status: criteria provided, multiple submitters, no conflicts (2 of 4 stars). 3 submissions from 3 submitters: Benign (1); Likely benign (2). Last evaluated 2025-10-25.

Conditions:
Hereditary cancer-predisposing syndrome. Also called: Hereditary Cancer Syndrome; Neoplastic Syndromes, Hereditary; Hereditary neoplastic syndrome; Tumor predisposition. Identifiers: Orphanet 140162, MedGen C0027672, MeSH D009386, MONDO:0015356.
Familial cancer of breast. Also called: Hereditary breast cancer; hereditary breast carcinoma; BREAST CANCER, FAMILIAL. Identifiers: Orphanet 227535, MedGen C0346153, MONDO:0016419, OMIM 114480. Disease mechanism: loss of function.

Submissions (3):

Labcorp Genetics (formerly Invitae), Labcorp
Classification: Likely benign for Familial cancer of breast. Last evaluated: 2025-10-25. Review status: criteria provided, single submitter. Criteria: Invitae Variant Classification Sherloc (09022015). Collection method: clinical testing. Allele origin: germline.

Myriad Genetics, Inc.
Classification: Benign for Familial cancer of breast. Last evaluated: 2024-07-24. Review status: criteria provided, single submitter. Criteria: Myriad Autosomal Dominant, Autosomal Recessive and X-Linked Classification Criteria (2023). Collection method: clinical testing. Allele origin: unknown.
Comment: This variant is considered benign. This variant is a silent/synonymous amino acid change and it is not expected to impact splicing.

Color Diagnostics, LLC DBA Color Health
Classification: Likely benign for Hereditary cancer-predisposing syndrome. Last evaluated: 2023-02-17. Review status: criteria provided, single submitter. Criteria: ACMG Guidelines, 2015. Collection method: clinical testing. Allele origin: germline.